The following is an entry in ClinVar:

ClinVar aggregate classification (germline): Uncertain significance. Review status: criteria provided, multiple submitters, no conflicts (2 of 4 stars). 3 submissions from 3 submitters: Uncertain significance (3). Last evaluated 2026-04-07.

Conditions:
Catecholaminergic polymorphic ventricular tachycardia (CVPT). Also called: Catecholamine-induced polymorphic ventricular tachycardia. Identifiers: Orphanet 3286, MedGen C5574922, MONDO:0017990.
Catecholaminergic polymorphic ventricular tachycardia 1. Also called: RYR2-Related Catecholaminergic Polymorphic Ventricular Tachycardia; VENTRICULAR TACHYCARDIA, CATECHOLAMINERGIC POLYMORPHIC, 1, WITH OR WITHOUT ATRIAL DYSFUNCTION AND/OR DILATED CARDIOMYOPATHY; VENTRICULAR TACHYCARDIA, STRESS-INDUCED POLYMORPHIC 1. Identifiers: Orphanet 3286, MedGen C1631597, MONDO:0011484, OMIM 604772.

Allele frequency attached by ClinVar (database versions not stated): TOPMed below 0.00001.
gnomAD v4.1: 1 of 1,610,372 alleles (0.000062%); highest among the groups gnomAD compares: African/African-American, 0.0013%; no homozygotes.

Submissions (3):

GeneDx
Classification: Uncertain significance. Last evaluated: 2026-04-07. Review status: criteria provided, single submitter. Criteria: GeneDx Variant Classification Process June 2021. Collection method: clinical testing. Allele origin: germline.
Comment: Not observed at significant frequency in large population cohorts (gnomAD); In silico analysis supports that this missense variant has a deleterious effect on protein structure/function; Has not been previously published as pathogenic or benign to our knowledge; Not located in one of the three hot-spot regions of the RYR2 gene, where the majority of pathogenic missense variants occur (PMID: 19926015); This variant is associated with the following publications: (PMID: 19926015)

All of Us Research Program, National Institutes of Health
Classification: Uncertain significance for Catecholaminergic polymorphic ventricular tachycardia. Last evaluated: 2023-10-23. Review status: criteria provided, single submitter. Criteria: ACMG Guidelines, 2015. Collection method: clinical testing. Allele origin: germline. Inheritance: Autosomal dominant inheritance. Observed: 1 variant allele, 1 heterozygote.
Comment: This missense variant replaces serine with glycine at codon 560 of the RYR2 protein. Computational prediction suggests that this variant may have deleterious impact on protein structure and function (internally defined REVEL score threshold >= 0.7, PMID: 27666373). To our knowledge, functional studies have not been reported for this variant. This variant has not been reported in individuals affected with RYR2-related disorders in the literature. This variant has been identified in 1/248318 chromosomes in the general population by the Genome Aggregation Database (gnomAD). The available evidence is insufficient to determine the role of this variant in disease conclusively. Therefore, this variant is classified as a Variant of Uncertain Significance.

This study involves interpretation of variants in research participants for the purpose of population health screening. Participant phenotype was not available at the time of variant classification. Additional details can be found in publication PMID: 35346344, PMCID: PMC8962531

Labcorp Genetics (formerly Invitae), Labcorp
Classification: Uncertain significance for Catecholaminergic polymorphic ventricular tachycardia 1. Last evaluated: 2021-08-28. Review status: criteria provided, single submitter. Criteria: Invitae Variant Classification Sherloc (09022015). Collection method: clinical testing. Allele origin: germline.
Comment: This sequence change replaces serine with glycine at codon 560 of the RYR2 protein (p.Ser560Gly). The serine residue is highly conserved and there is a small physicochemical difference between serine and glycine. This variant is present in population databases (rs759121593, ExAC 0.01%). This variant has not been reported in the literature in individuals affected with RYR2-related conditions. Algorithms developed to predict the effect of missense changes on protein structure and function (SIFT, PolyPhen-2, Align-GVGD) all suggest that this variant is likely to be disruptive. In summary, the available evidence is currently insufficient to determine the role of this variant in disease. Therefore, it has been classified as a Variant of Uncertain Significance.

NM_001035.3(RYR2):c.1678A>G (p.Ser560Gly)

Gene: RYR2 (ryanodine receptor 2; plus strand). Cytogenetic location: 1q43.
Variant type: single nucleotide variant.
Coding change: c.1678A>G on transcript NM_001035.3 (MANE Select); coding-DNA position 1678, A replaced by G.
Protein change: p.Ser560Gly; replaces serine 560 with glycine.
Molecular consequence: missense variant.
Genome position (GRCh38, 1-based): chr1:237,469,157, A>G. VCF-style: chr1-237469157-A-G. GRCh37 (hg19) VCF-style: chr1-237632457-A-G.
Other names: short protein forms S560G.
Identifiers: ClinVar variation 956086 (VCV000956086.10), dbSNP rs759121593, ClinGen allele CA068973.